The following is an entry in ClinVar:

ClinVar aggregate classification (germline): Conflicting classifications of pathogenicity. Review status: criteria provided, conflicting classifications (1 of 4 stars). 2 submissions from 2 submitters: Uncertain significance (1); Likely benign (1). Last evaluated 2026-03-01.

Conditions:
ZNF292-related disorder. Also called: ZNF292-related condition.

Submissions (2):

CeGaT Center for Human Genetics Tuebingen
Classification: Likely benign. Last evaluated: 2026-03-01. Review status: criteria provided, single submitter. Criteria: CeGaT Center For Human Genetics Tuebingen Variant Classification Criteria Version 2. Collection method: clinical testing. Allele origin: germline. Affected: yes. Observed: 3 variant alleles.
Comment: ZNF292: PM4:Supporting, BS2

PreventionGenetics, part of Exact Sciences
Classification: Uncertain significance for ZNF292-related condition. Last evaluated: 2024-11-19. Review status: criteria provided, single submitter. Criteria: ACMG Guidelines, 2015. Collection method: clinical testing. Allele origin: germline.
Comment: The ZNF292 c.7270_7272delCTT variant is predicted to result in an in-frame deletion (p.Leu2424del). To our knowledge, this variant has not been reported in the literature. This variant is reported in 0.0040% of alleles in individuals of European (Finnish) descent in gnomAD. At this time, the clinical significance of this variant is uncertain due to the absence of conclusive functional and genetic evidence.

NM_015021.3(ZNF292):c.7267CTT[1] (p.Leu2424del)

Gene: ZNF292 (zinc finger protein 292; plus strand). Cytogenetic location: 6q14.3.
Variant type: Microsatellite.
Coding change: c.7267CTT[1] on transcript NM_015021.3 (MANE Select); one copy of the 3-base unit CTT starting at c.7267; the reference has two copies in a row; one copy, 3 bases deleted.
Protein change: p.Leu2424del; deletes leucine 2424.
Molecular consequence: inframe deletion.
Genome position (GRCh38, 1-based): chr6:87,260,899-87,260,901, CTT deleted; deleting any 3 consecutive bases within chr6:87,260,895-87,260,901 gives the same sequence; the position shown is the placement nearest the transcript's 3' end. VCF-style (leftmost placement, unchanged base first): chr6-87260894-ATCT-A. GRCh37 (hg19) VCF-style: chr6-87970612-ATCT-A.
Other names: c.6847CTT[1], p.Leu2284del (NM_001351444.2); c.7270_7272delCTT (NM_015021.1); short protein forms L2284del, L2424del.
Identifiers: ClinVar variation 4281045 (VCV004281045.8).